The following is an entry in ClinVar:

ClinVar aggregate classification (germline): Uncertain significance (1 of 4 stars; one submission).

Conditions:
Long chain 3-hydroxyacyl-CoA dehydrogenase deficiency. Also called: LCHAD Deficiency; Deficiency of long-chain 3-hydroxyacyl-coenzyme A dehydrogenase. Identifiers: Orphanet 5, MedGen C3711645, MONDO:0012173, OMIM 609016.
Mitochondrial trifunctional protein deficiency. Identifiers: Orphanet 746, MedGen C1969443, MONDO:0012172.

gnomAD v4.1: 2 of 1,610,774 alleles (0.00012%); highest among the groups gnomAD compares: South Asian, 0.0011%; no homozygotes.

Submission:

Labcorp Genetics (formerly Invitae), Labcorp
Classification: Uncertain significance for Mitochondrial trifunctional protein deficiency; Long chain 3-hydroxyacyl-CoA dehydrogenase deficiency. Last evaluated: 2025-03-16. Review status: criteria provided, single submitter. Criteria: Invitae Variant Classification Sherloc (09022015). Collection method: clinical testing. Allele origin: germline.
Comment: This sequence change replaces alanine, which is neutral and non-polar, with valine, which is neutral and non-polar, at codon 88 of the HADHA protein (p.Ala88Val). This variant is not present in population databases (gnomAD no frequency). This variant has not been reported in the literature in individuals affected with HADHA-related conditions. Invitae Evidence Modeling of protein sequence and biophysical properties (such as structural, functional, and spatial information, amino acid conservation, physicochemical variation, residue mobility, and thermodynamic stability) indicates that this missense variant is not expected to disrupt HADHA protein function with a negative predictive value of 80%. In summary, the available evidence is currently insufficient to determine the role of this variant in disease. Therefore, it has been classified as a Variant of Uncertain Significance.

NM_000182.5(HADHA):c.263C>T (p.Ala88Val)

Gene: HADHA (hydroxyacyl-CoA dehydrogenase trifunctional multienzyme complex subunit alpha; minus strand). Cytogenetic location: 2p23.3.
Variant type: single nucleotide variant.
Coding change: c.263C>T on transcript NM_000182.5 (MANE Select); coding-DNA position 263, C replaced by T.
Protein change: p.Ala88Val; replaces alanine 88 with valine.
Molecular consequence: missense variant.
Genome position (GRCh38, 1-based): chr2:26,236,906, G>A on the plus strand (C>T on the coding strand, the complement: HADHA is on the minus strand). VCF-style: chr2-26236906-G-A. GRCh37 (hg19) VCF-style: chr2-26459774-G-A.
Other names: short protein forms A88V.
Identifiers: ClinVar variation 4788906 (VCV004788906.1).